The following is an entry in ClinVar:

NM_001005373.4(LRSAM1):c.1781G>A (p.Arg594His)

Gene: LRSAM1 (leucine rich repeat and sterile alpha motif containing 1; plus strand). Cytogenetic location: 9q33.3.
Variant type: single nucleotide variant.
Coding change: c.1781G>A on transcript NM_001005373.4 (MANE Select); coding-DNA position 1781, G replaced by A.
Protein change: p.Arg594His; replaces arginine 594 with histidine.
Molecular consequence: missense variant. On other transcripts: non-coding transcript variant (2).
Genome position (GRCh38, 1-based): chr9:127,496,046, G>A. VCF-style: chr9-127496046-G-A. GRCh37 (hg19) VCF-style: chr9-130258325-G-A.
Other names: c.1781G>A, p.Arg594His (NM_001005374.4, NM_001384142.1, NM_138361.5); c.1700G>A, p.Arg567His (NM_001190723.3); c.1682G>A, p.Arg561His (NM_001384143.1); c.992G>A, p.Arg331His (NM_001384144.1); c.1781G>A (NM_138361.4); short protein forms R594H, R567H, R331H, R561H.
Identifiers: ClinVar variation 288562 (VCV000288562.17), dbSNP rs537838691, ClinGen allele CA5247126.

ClinVar aggregate classification (germline): Uncertain significance. Review status: criteria provided, multiple submitters, no conflicts (2 of 4 stars). 6 submissions from 6 submitters: Uncertain significance (6). Last evaluated 2026-06-17.

Conditions:
Charcot-Marie-Tooth disease. Also called: Charcot-Marie-Tooth Hereditary Neuropathy; Charcot-Marie-Tooth Neuropathy. Identifiers: Orphanet 166, MedGen C0007959, MONDO:0015626.
Charcot-Marie-Tooth disease axonal type 2P. Also called: CHARCOT-MARIE-TOOTH NEUROPATHY, TYPE 2P; Charcot-Marie-Tooth Neuropathy Type 2G; CHARCOT-MARIE-TOOTH DISEASE, AXONAL, TYPE 2G; CMT 2G. Identifiers: Orphanet 300319, Orphanet 99941, MedGen C3280797, MONDO:0013753, OMIM 614436.
LRSAM1-related disorder. Also called: LRSAM1-related condition.
Inborn genetic diseases. Identifiers: MedGen C0950123, MeSH D030342.

Allele frequency attached by ClinVar (database versions not stated): gnomAD exomes 0.00003 and 0.00005; gnomAD 0.00004 and 0.00005; TOPMed 0.00005; ExAC 0.00007; 1000 Genomes Project 30x 0.00016; 1000 Genomes Project 0.00020.
gnomAD v4.1: 44 of 1,612,268 alleles (0.0027%); highest among the groups gnomAD compares: Admixed American, 0.01%; no homozygotes.

Submissions (6):

PreventionGenetics, part of Exact Sciences
Classification: Uncertain significance for LRSAM1-related condition. Last evaluated: 2026-06-17. Review status: criteria provided, single submitter. Criteria: ACMG Guidelines, 2015. Collection method: clinical testing. Allele origin: germline.
Comment: The LRSAM1 c.1781G>A variant is predicted to result in the amino acid substitution p.Arg594His. This variant has been reported as a variant of uncertain significance in an individual from a large cohort study of Charcot-Marie-Tooth disease; however, additional evidence was not provided (Suppl. Table 2, Volodarsky et al. 2021. PubMed ID: 32376792). This variant is reported in 0.011% of alleles in individuals of Latino descent in gnomAD. At this time, the clinical significance of this variant is uncertain due to the absence of conclusive functional and genetic evidence.

Labcorp Genetics (formerly Invitae), Labcorp
Classification: Uncertain significance for Charcot-Marie-Tooth disease axonal type 2P. Last evaluated: 2025-08-09. Review status: criteria provided, single submitter. Criteria: Invitae Variant Classification Sherloc (09022015). Collection method: clinical testing. Allele origin: germline.
Comment: This sequence change replaces arginine, which is basic and polar, with histidine, which is basic and polar, at codon 594 of the LRSAM1 protein (p.Arg594His). This variant is present in population databases (rs537838691, gnomAD 0.009%). This missense change has been observed in individual(s) with clinical features of Charcot-Marie-Tooth disease (PMID: 32376792). ClinVar contains an entry for this variant (Variation ID: 288562). Invitae Evidence Modeling of protein sequence and biophysical properties (such as structural, functional, and spatial information, amino acid conservation, physicochemical variation, residue mobility, and thermodynamic stability) indicates that this missense variant is not expected to disrupt LRSAM1 protein function with a negative predictive value of 80%. In summary, the available evidence is currently insufficient to determine the role of this variant in disease. Therefore, it has been classified as a Variant of Uncertain Significance.

Ambry Genetics
Classification: Uncertain significance for Inborn genetic diseases. Last evaluated: 2020-02-14. Review status: criteria provided, single submitter. Criteria: Ambry Variant Classification Scheme 2023. Collection method: clinical testing. Allele origin: germline.
Comment: The p.R594H variant (also known as c.1781G>A), located in coding exon 21 of the LRSAM1 gene, results from a G to A substitution at nucleotide position 1781. The arginine at codon 594 is replaced by histidine, an amino acid with highly similar properties. This amino acid position is highly conserved in available vertebrate species. In addition, the in silico prediction for this alteration is inconclusive. Since supporting evidence is limited at this time, the clinical significance of this alteration remains unclear.

GeneDx
Classification: Uncertain significance. Last evaluated: 2017-10-16. Review status: criteria provided, single submitter. Criteria: GeneDx Variant Classification (06012015). Collection method: clinical testing. Allele origin: germline. Affected: yes.
Comment: The R594H variant has not been published as a pathogenic variant, nor has it been reported as a benign variant to our knowledge. The R594H variant is observed in 3/34,406 (0.009%) alleles from individuals of Latino background (Lek et al., 2016). This substitution occurs at a position that is conserved across species. In silico analysis predicts this variant is probably damaging to the protein structure/function. However, the R594H variant is a conservative amino acid substitution, which is not likely to impact secondary protein structure as these residues share similar properties. Therefore, based on the currently available information, it is unclear whether this variant is a pathogenic variant or a rare benign variant.

Eurofins Ntd Llc (ga)
Classification: Uncertain significance. Last evaluated: 2016-06-16. Review status: criteria provided, single submitter. Criteria: EGL Classification Definitions 2015. Collection method: clinical testing. Allele origin: germline. Observed: 1 variant allele, 1 heterozygote.

Molecular Genetics Laboratory, London Health Sciences Centre
Classification: Uncertain significance for Charcot-Marie-Tooth disease. Review status: criteria provided, single submitter. Criteria: ACMG Guidelines, 2015. Collection method: clinical testing. Allele origin: germline. Affected: yes.

Literature cited by the submitters: PubMed 32376792 (cited by Labcorp Genetics (formerly Invitae), Labcorp).